The following is an entry in ClinVar:

NM_005633.4(SOS1):c.*328A>G

Gene: SOS1 (SOS Ras/Rac guanine nucleotide exchange factor 1; minus strand). Cytogenetic location: 2p22.1.
Variant type: single nucleotide variant.
Coding change: c.*328A>G on transcript NM_005633.4 (MANE Select); 328 bases downstream of the stop codon, A replaced by G.
Molecular consequence: 3 prime UTR variant.
Genome position (GRCh38, 1-based): chr2:38,985,496, T>C on the plus strand (A>G on the coding strand, the complement: SOS1 is on the minus strand). VCF-style: chr2-38985496-T-C. GRCh37 (hg19) VCF-style: chr2-39212637-T-C.
Other names: c.*328A>G (NM_001382394.1, NM_001382395.1).
Identifiers: ClinVar variation 336011 (VCV000336011.8), dbSNP rs1059310, ClinGen allele CA10615440.
Genomic context (GRCh38, chr2:38,985,496, plus strand): 5'-AAGTGCATAATTTGAATTACAAAAACTGTCATGTGGGCCTGCTGGACACTAGACTGTGTT[T>C]TCCATCCCTTTAATGATCACTTCACAAAAGATCACTTCACAAAAAGAGGACTCCTGCCTA-3'

ClinVar aggregate classification (germline): Benign. Review status: criteria provided, multiple submitters, no conflicts (2 of 4 stars). 6 submissions from 4 submitters: Benign (6). Last evaluated 2018-06-18.

Conditions:
Noonan syndrome 4 (NS4). Also called: SOS1-Related Noonan Syndrome; NOONAN SYNDROME WITH PIGMENTED VILLONODULAR SYNOVITIS. Identifiers: Orphanet 648, MedGen C1853120, MONDO:0012547, OMIM 610733.
Fibromatosis, gingival, 1 (GINGF1). Identifiers: Orphanet 2024, MedGen C4551558, MONDO:0007609, OMIM 135300.

Allele frequency attached by ClinVar (database versions not stated): 1000 Genomes Project 30x 0.50984; TOPMed 0.51326; gnomAD 0.52005 and 0.52758; 1000 Genomes Project 0.52336; gnomAD exomes 0.63462.
gnomAD v4.1: 168,480 of 290,888 alleles (58%); highest among the groups gnomAD compares: East Asian, 69%; 52,812 homozygotes.

Submissions (6):

GeneDx
Classification: Benign. Last evaluated: 2018-06-18. Review status: criteria provided, single submitter. Criteria: GeneDx Variant Classification Process June 2021. Collection method: clinical testing. Allele origin: germline. Affected: yes.

Illumina Laboratory Services, Illumina
Classification: Benign for Noonan syndrome 4. Last evaluated: 2018-01-13. Review status: criteria provided, single submitter. Criteria: ICSL Variant Classification Criteria 13 December 2019. Collection method: clinical testing. Allele origin: germline.
Comment: This variant was observed in the ICSL laboratory as part of a predisposition screen in an ostensibly healthy population. It had not been previously curated by ICSL or reported in the Human Gene Mutation Database (HGMD: prior to June 1st, 2018), and was therefore a candidate for classification through an automated scoring system. Utilizing variant allele frequency, disease prevalence and penetrance estimates, and inheritance mode, an automated score was calculated to assess if this variant is too frequent to cause the disease. Based on the score and internal cut-off values, a variant classified as benign is not then subjected to further curation. The score for this variant resulted in a classification of benign for this disease.

Illumina Laboratory Services, Illumina
Classification: Benign for Fibromatosis, gingival, 1. Last evaluated: 2018-01-13. Review status: criteria provided, single submitter. Criteria: ICSL Variant Classification Criteria 13 December 2019. Collection method: clinical testing. Allele origin: germline.
Comment: the same text as in the submission from Illumina Laboratory Services, Illumina above.

Breakthrough Genomics
Classification: Benign. Review status: criteria provided, single submitter. Criteria: ACMG Guidelines, 2015. Collection method: not provided. Allele origin: germline. Inheritance: Autosomal dominant inheritance. Affected: yes.

Genome-Nilou Lab
Classification: Benign for Noonan syndrome 4. Review status: criteria provided, single submitter. Criteria: ACMG Guidelines, 2015. Collection method: clinical testing. Allele origin: germline.

Genome-Nilou Lab
Classification: Benign for Fibromatosis, gingival, 1. Review status: criteria provided, single submitter. Criteria: ACMG Guidelines, 2015. Collection method: clinical testing. Allele origin: germline.